The following is an entry in ClinVar:

NM_001042492.3(NF1):c.711C>G (p.Ile237Met)

Gene: NF1 (neurofibromin 1; plus strand). Cytogenetic location: 17q11.2.
Variant type: single nucleotide variant.
Coding change: c.711C>G on transcript NM_001042492.3 (MANE Select); coding-DNA position 711, C replaced by G.
Protein change: p.Ile237Met; replaces isoleucine 237 with methionine.
Molecular consequence: missense variant.
Genome position (GRCh38, 1-based): chr17:31,181,766, C>G. VCF-style: chr17-31181766-C-G. GRCh37 (hg19) VCF-style: chr17-29508784-C-G.
Other names: c.711C>G, p.Ile237Met (NM_000267.4, NM_001128147.3); short protein forms I237M.
Identifiers: ClinVar variation 857596 (VCV000857596.6), dbSNP rs2066139444, ClinGen allele CA398990115.

ClinVar aggregate classification (germline): Uncertain significance (1 of 4 stars; one submission).

Conditions:
Neurofibromatosis, type 1 (NF1). Also called: Neurofibromatosis, type I; VON RECKLINGHAUSEN DISEASE; Peripheral type neurofibromatosis; NEUROFIBROMATOSIS, TYPE I, SOMATIC. Identifiers: Orphanet 636, MedGen C0027831, MONDO:0018975, OMIM 162200. Disease mechanism: loss of function.

Submission:

Labcorp Genetics (formerly Invitae), Labcorp
Classification: Uncertain significance for Neurofibromatosis, type 1. Last evaluated: 2019-03-22. Review status: criteria provided, single submitter. Criteria: Invitae Variant Classification Sherloc (09022015). Collection method: clinical testing. Allele origin: germline.
Comment: This sequence change replaces isoleucine with methionine at codon 237 of the NF1 protein (p.Ile237Met). The isoleucine residue is weakly conserved and there is a small physicochemical difference between isoleucine and methionine. This variant is not present in population databases (ExAC no frequency). This variant has not been reported in the literature in individuals with NF1-related conditions. Algorithms developed to predict the effect of missense changes on protein structure and function (SIFT, PolyPhen-2, Align-GVGD) all suggest that this variant is likely to be tolerated, but these predictions have not been confirmed by published functional studies and their clinical significance is uncertain. In summary, the available evidence is currently insufficient to determine the role of this variant in disease. Therefore, it has been classified as a Variant of Uncertain Significance.